The following is an entry in ClinVar:

ClinVar aggregate classification (germline): Likely pathogenic (1 of 4 stars; one submission).

Conditions:
X-linked Alport syndrome (ATS1). Also called: NEPHROPATHY AND DEAFNESS, X-LINKED; COL4A5-Related Nephropathy. Identifiers: Orphanet 63, Orphanet 88917, MedGen C4746986, MONDO:0010520, OMIM 301050.

Submission:

Genetics and Molecular Pathology, SA Pathology
Classification: Likely pathogenic for X-linked Alport syndrome. Last evaluated: 2023-06-28. Review status: criteria provided, single submitter. Criteria: ACMG Guidelines, 2015. Collection method: clinical testing. Allele origin: germline. Inheritance: X-linked dominant inheritance. Affected: yes.
Comment: Disruption of this splice site has been observed in individuals with Alport syndrome and/or nephrotic syndrome (PMID:8940267, PMID:23371956, PMID:32604935).

Literature cited by the submitters: PubMed 8940267; PubMed 23371956; PubMed 32604935.

NM_033380.3(COL4A5):c.834+1G>T

Gene: COL4A5 (collagen type IV alpha 5 chain; plus strand). Cytogenetic location: Xq22.3.
Variant type: single nucleotide variant.
Coding change: c.834+1G>T on transcript NM_033380.3 (MANE Select); the canonical splice donor site of the intron after coding-DNA position 834, G replaced by T.
Molecular consequence: splice donor variant.
Genome position (GRCh38, 1-based): chrX:108,580,587, G>T. VCF-style: chrX-108580587-G-T. GRCh37 (hg19) VCF-style: chrX-107823817-G-T.
Other names: c.834+1G>T (NM_000495.5).
Identifiers: ClinVar variation 2664804 (VCV002664804.1), dbSNP rs104886446, ClinGen allele CA413925901.
Genomic context (GRCh38, chrX:108,580,587, plus strand): 5'-GCATAGGGACTTCCTGGTGACCGAGGGCCTCCTGGACCTCCAGGGATACGTGGTCCTCCA[G>T]TAAGTACCTAAAGTGCTTTAGCATCATTTAATGTAAATTGGTATTGGTACACAGTATCCC-3'